The following is an entry in ClinVar:

ClinVar aggregate classification (germline): Pathogenic (1 of 4 stars; one submission).

Conditions:
Ataxia-telangiectasia syndrome (AT). Also called: Cerebello-oculocutaneous telangiectasia; Immunodeficiency with ataxia telangiectasia; Ataxia-telangiectasia, complementation group E; Ataxia-telangiectasia, complementation group D; AT, COMPLEMENTATION GROUP C; ATAXIA-TELANGIECTASIA, COMPLEMENTATION GROUP A. Identifiers: Orphanet 100, MedGen C0004135, MONDO:0008840, OMIM 208900.

Submission:

Baylor Genetics
Classification: Pathogenic for Ataxia-telangiectasia syndrome. Last evaluated: 2017-09-01. Review status: criteria provided, single submitter. Criteria: ACMG Guidelines, 2015. Collection method: clinical testing. Allele origin: paternal. Inheritance: Autosomal recessive inheritance. Affected: yes.
Comment: This intronic mutation is categorized as deleterious according to ACMG guidelines (PMID:18414213).

Literature cited by the submitters: PubMed 25326635.

NM_000051.4(ATM):c.6452+1G>T

Genes: ATM (ATM serine/threonine kinase; plus strand), C11orf65 (chromosome 11 open reading frame 65; minus strand). Cytogenetic location: 11q22.3.
Variant type: single nucleotide variant.
Coding change: c.6452+1G>T on transcript NM_000051.4 (MANE Select); the canonical splice donor site of the intron after coding-DNA position 6452, G replaced by T.
Molecular consequence: splice donor variant. On other transcripts: intron variant (2).
Genome position (GRCh38, 1-based): chr11:108,320,059, G>T. VCF-style: chr11-108320059-G-T. GRCh37 (hg19) VCF-style: chr11-108190786-G-T.
Other names: c.6452+1G>T (NM_001351834.2); c.641-10988C>A (NM_001330368.2); c.*39-10988C>A (NM_001351110.2).
Identifiers: ClinVar variation 560960 (VCV000560960.4), dbSNP rs1565509194, ClinGen allele CA382553686.
Genomic context (GRCh38, chr11:108,320,059, plus strand): 5'-TCTACAATCTCTAAGAGACAGAGAATTCTCTACATTTTATGAAAGTCTCAAATATGCCAG[G>T]TATTATGAAAAGACAAAGTTACTGTATTTTAACATTTAATGTCATGGCTTCTTTTCTGAA-3'